The following is an entry in ClinVar:

NM_001081.4(CUBN):c.6214C>T (p.Arg2072Cys)

Gene: CUBN (cubilin; minus strand). Cytogenetic location: 10p13.
Variant type: single nucleotide variant.
Coding change: c.6214C>T on transcript NM_001081.4 (MANE Select); coding-DNA position 6214, C replaced by T.
Protein change: p.Arg2072Cys; replaces arginine 2072 with cysteine.
Molecular consequence: missense variant.
Genome position (GRCh38, 1-based): chr10:16,928,214, G>A on the plus strand (C>T on the coding strand, the complement: CUBN is on the minus strand). VCF-style: chr10-16928214-G-A. GRCh37 (hg19) VCF-style: chr10-16970213-G-A.
Other names: short protein forms R2072C.
Identifiers: ClinVar variation 1038402 (VCV001038402.10), dbSNP rs149102355, ClinGen allele CA5423764.

ClinVar aggregate classification (germline): Uncertain significance. Review status: criteria provided, multiple submitters, no conflicts (2 of 4 stars). 2 submissions from 2 submitters: Uncertain significance (2). Last evaluated 2024-06-21.

Conditions:
Proteinuria, chronic benign. Identifiers: MedGen C5394384, MONDO:0030042, OMIM 618884.
Imerslund-Grasbeck syndrome type 1 (IGS1). Also called: Megaloblastic anemia 1, Finnish type; Imerslund-Gräsbeck syndrome 1; MEGALOBLASTIC ANEMIA, 1. Identifiers: MedGen C4016819, MONDO:0100156, OMIM 261100.
Imerslund-Grasbeck syndrome. Also called: Imerslund-Gräsbeck syndrome; ENTEROCYTE COBALAMIN MALABSORPTION; ENTEROCYTE INTRINSIC FACTOR RECEPTOR, DEFECT OF; PERNICIOUS ANEMIA, JUVENILE, DUE TO SELECTIVE INTESTINAL MALABSORPTION OF VITAMIN B12, WITH PROTEINURIA; Megaloblastic anemia due to inborn errors of metabolism. Identifiers: Orphanet 35858, MedGen C4551825, MONDO:0009853.

Allele frequency attached by ClinVar (database versions not stated): gnomAD exomes 0.00004 and 0.00003; gnomAD 0.00005 and 0.00004; TOPMed 0.00003; ExAC 0.00006; ESP Exome Variant Server 0.00015.
gnomAD v4.1: 51 of 1,613,798 alleles (0.0032%); highest among the groups gnomAD compares: South Asian, 0.0088%; 1 homozygote.

Submissions (2):

Fulgent Genetics
Classification: Uncertain significance for Imerslund-Grasbeck syndrome type 1; Proteinuria, chronic benign. Last evaluated: 2024-06-21. Review status: criteria provided, single submitter. Criteria: ACMG Guidelines, 2015. Collection method: clinical testing. Allele origin: germline.

Labcorp Genetics (formerly Invitae), Labcorp
Classification: Uncertain significance for Imerslund-Grasbeck syndrome. Last evaluated: 2022-07-18. Review status: criteria provided, single submitter. Criteria: Invitae Variant Classification Sherloc (09022015). Collection method: clinical testing. Allele origin: germline.
Comment: In summary, the available evidence is currently insufficient to determine the role of this variant in disease. Therefore, it has been classified as a Variant of Uncertain Significance. Algorithms developed to predict the effect of missense changes on protein structure and function (SIFT, PolyPhen-2, Align-GVGD) all suggest that this variant is likely to be disruptive. ClinVar contains an entry for this variant (Variation ID: 1038402). This variant has not been reported in the literature in individuals affected with CUBN-related conditions. This variant is present in population databases (rs149102355, gnomAD 0.01%), including at least one homozygous and/or hemizygous individual. This sequence change replaces arginine, which is basic and polar, with cysteine, which is neutral and slightly polar, at codon 2072 of the CUBN protein (p.Arg2072Cys).